The following is an entry in ClinVar:

NM_032043.3(BRIP1):c.2539G>A (p.Asp847Asn)

Gene: BRIP1 (BRCA1 interacting DNA helicase 1; minus strand). Cytogenetic location: 17q23.2.
Variant type: single nucleotide variant.
Coding change: c.2539G>A on transcript NM_032043.3 (MANE Select); coding-DNA position 2539, G replaced by A.
Protein change: p.Asp847Asn; replaces aspartic acid 847 with asparagine.
Molecular consequence: missense variant.
Genome position (GRCh38, 1-based): chr17:61,693,466, C>T on the plus strand (G>A on the coding strand, the complement: BRIP1 is on the minus strand). VCF-style: chr17-61693466-C-T. GRCh37 (hg19) VCF-style: chr17-59770827-C-T.
Other names: short protein forms D847N.
Identifiers: ClinVar variation 231192 (VCV000231192.14), dbSNP rs876659013, ClinGen allele CA10580796.

ClinVar aggregate classification (germline): Uncertain significance. Review status: criteria provided, multiple submitters, no conflicts (2 of 4 stars). 2 submissions from 2 submitters: Uncertain significance (2). Last evaluated 2020-08-10.

Conditions:
Hereditary cancer-predisposing syndrome. Also called: Hereditary Cancer Syndrome; Neoplastic Syndromes, Hereditary; Tumor predisposition; Hereditary neoplastic syndrome. Identifiers: Orphanet 140162, MedGen C0027672, MeSH D009386, MONDO:0015356.
Fanconi anemia complementation group J. Also called: BRIP1-Related Fanconi Anemia. Identifiers: Orphanet 84, MedGen C1836860, MONDO:0012187, OMIM 609054.
Familial cancer of breast. Also called: Hereditary breast cancer; hereditary breast carcinoma; BREAST CANCER, FAMILIAL. Identifiers: Orphanet 227535, MedGen C0346153, MONDO:0016419, OMIM 114480. Disease mechanism: loss of function.

Submissions (2):

Ambry Genetics
Classification: Uncertain significance for Hereditary cancer-predisposing syndrome. Last evaluated: 2020-08-10. Review status: criteria provided, single submitter. Criteria: Ambry Variant Classification Scheme 2023. Collection method: clinical testing. Allele origin: germline.
Comment: The p.D847N variant (also known as c.2539G>A), located in coding exon 17 of the BRIP1 gene, results from a G to A substitution at nucleotide position 2539. The aspartic acid at codon 847 is replaced by asparagine, an amino acid with highly similar properties. This amino acid position is highly conserved in available vertebrate species. In addition, this alteration is predicted to be tolerated by in silico analysis. Since supporting evidence is limited at this time, the clinical significance of this alteration remains unclear.

Labcorp Genetics (formerly Invitae), Labcorp
Classification: Uncertain significance for Familial cancer of breast; Fanconi anemia complementation group J. Last evaluated: 2017-05-02. Review status: criteria provided, single submitter. Criteria: Invitae Variant Classification Sherloc (09022015). Collection method: clinical testing. Allele origin: germline.
Comment: In summary, this variant is a rare missense change with uncertain impact on protein function. There is no indication that it causes disease, but the available evidence is currently insufficient to prove that conclusively. Therefore, it has been classified as a Variant of Uncertain Significance. Algorithms developed to predict the effect of missense changes on protein structure and function do not agree on the potential impact of this missense change (SIFT: "Tolerated"; PolyPhen-2: "Probably Damaging"; Align-GVGD: "Class C0"). This variant is not present in population databases (ExAC no frequency) and has not been reported in the literature in individuals with a BRIP1-related disease. ClinVar contains an entry for this variant (Variation ID: 231192). This sequence change replaces aspartic acid with asparagine at codon 847 of the BRIP1 protein (p.Asp847Asn). The aspartic acid residue is moderately conserved and there is a small physicochemical difference between aspartic acid and asparagine.